The following is an entry in ClinVar:

NM_016006.6(ABHD5):c.836del (p.Gln279fs)

Gene: ABHD5 (abhydrolase domain containing 5, lysophosphatidic acid acyltransferase; plus strand). Cytogenetic location: 3p21.33.
Variant type: Deletion.
Coding change: c.836del on transcript NM_016006.6 (MANE Select); coding-DNA position 836, one base deleted (A; older notation c.836delA).
Protein change: p.Gln279fs; shifts the reading frame from glutamine 279.
Molecular consequence: frameshift variant. On other transcripts: non-coding transcript variant (1), intron variant (1).
Genome position (GRCh38, 1-based): chr3:43,717,733, A deleted. VCF-style (leftmost placement, unchanged base first): chr3-43717732-CA-C. GRCh37 (hg19) VCF-style: chr3-43759224-CA-C.
Other names: c.836delA (NM_016006.6); c.836del, p.Gln279fs (NM_001355186.2); c.713del, p.Gln238fs (NM_001365649.1); c.774-710del (NM_001365650.1); short protein forms Q238fs, Q279fs.
Identifiers: ClinVar variation 996655 (VCV000996655.6), dbSNP rs773892644, ClinGen allele CA2341477.
Genomic context (GRCh38, chr3:43,717,732, plus strand): 5'-GGTGAGACAGCTTTCAAGAATATGACTATTCCTTATGGATGGGCAAAAAGGCCAATGCTC[CA>C]GCGAATTGGTAAAATGCACCCTGACATTCCAGTTTCAGTGATCTTTGGCGCCCGATCCTG-3'

ClinVar aggregate classification (germline): Pathogenic. Review status: criteria provided, single submitter (1 of 4 stars). 2 submissions from 2 submitters: Pathogenic (1). 1 of the submissions does not count toward it. Last evaluated 2021-10-13.

Conditions:
Triglyceride storage disease with ichthyosis (CDS). Also called: ICHTHYOSIFORM ERYTHRODERMA WITH LEUKOCYTE VACUOLATION; TRIGLYCERIDE STORAGE DISEASE WITH IMPAIRED LONG-CHAIN FATTY ACID OXIDATION; Dorfman-Chanarin disease; Chanarin-Dorfman Syndrome. Identifiers: Orphanet 98907, MedGen C0268238, MONDO:0010155, OMIM 275630.

Allele frequency attached by ClinVar (database versions not stated): gnomAD below 0.00001 and 0.00001; gnomAD exomes below 0.00001; ExAC 0.00001.

Submissions (2):

Labcorp Genetics (formerly Invitae), Labcorp
Classification: Pathogenic. Last evaluated: 2021-10-13. Review status: criteria provided, single submitter. Criteria: Invitae Variant Classification Sherloc (09022015). Collection method: clinical testing. Allele origin: germline.
Comment: For these reasons, this variant has been classified as Pathogenic. ClinVar contains an entry for this variant (Variation ID: 996655). This premature translational stop signal has been observed in individual(s) with Chanarin-Dorfman syndrome (PMID: 29130490). This variant is present in population databases (rs773892644, ExAC 0.006%). This sequence change creates a premature translational stop signal (p.Gln279Argfs*14) in the ABHD5 gene. It is expected to result in an absent or disrupted protein product. Loss-of-function variants in ABHD5 are known to be pathogenic (PMID: 11590543).

University of Washington Center for Mendelian Genomics, University of Washington
Classification: Likely pathogenic for Chanarin-Dorfman syndrome. Review status: no assertion criteria provided. Collection method: research. Allele origin: inherited. Affected: yes. Not counted in ClinVar's aggregate classification.

Literature cited by the submitters: PubMed 29130490 (cited by Labcorp Genetics (formerly Invitae), Labcorp and University of Washington Center for Mendelian Genomics, University of Washington); PubMed 11590543 (cited by Labcorp Genetics (formerly Invitae), Labcorp).